The following is an entry in ClinVar:

NM_001852.4(COL9A2):c.920G>C (p.Gly307Ala)

Gene: COL9A2 (collagen type IX alpha 2 chain; minus strand). Cytogenetic location: 1p34.2.
Variant type: single nucleotide variant.
Coding change: c.920G>C on transcript NM_001852.4 (MANE Select); coding-DNA position 920, G replaced by C.
Protein change: p.Gly307Ala; replaces glycine 307 with alanine.
Molecular consequence: missense variant.
Genome position (GRCh38, 1-based): chr1:40,307,737, C>G on the plus strand (G>C on the coding strand, the complement: COL9A2 is on the minus strand). VCF-style: chr1-40307737-C-G. GRCh37 (hg19) VCF-style: chr1-40773409-C-G.
Other names: short protein forms G307A.
Identifiers: ClinVar variation 2844558 (VCV002844558.3), dbSNP rs2522525273, ClinGen allele CA339852669.

ClinVar aggregate classification (germline): Uncertain significance (1 of 4 stars; one submission).

Submission:

Labcorp Genetics (formerly Invitae), Labcorp
Classification: Uncertain significance. Last evaluated: 2023-10-22. Review status: criteria provided, single submitter. Criteria: Invitae Variant Classification Sherloc (09022015). Collection method: clinical testing. Allele origin: germline.
Comment: This sequence change replaces glycine, which is neutral and non-polar, with alanine, which is neutral and non-polar, at codon 307 of the COL9A2 protein (p.Gly307Ala). This variant is not present in population databases (gnomAD no frequency). This variant has not been reported in the literature in individuals affected with COL9A2-related conditions. Advanced modeling of protein sequence and biophysical properties (such as structural, functional, and spatial information, amino acid conservation, physicochemical variation, residue mobility, and thermodynamic stability) performed at Invitae indicates that this missense variant is expected to disrupt COL9A2 protein function. In summary, the available evidence is currently insufficient to determine the role of this variant in disease. Therefore, it has been classified as a Variant of Uncertain Significance.